The following is an entry in ClinVar:

NM_000075.4(CDK4):c.500A>G (p.Tyr167Cys)

Gene: CDK4 (cyclin dependent kinase 4; minus strand). Cytogenetic location: 12q14.1.
Variant type: single nucleotide variant.
Coding change: c.500A>G on transcript NM_000075.4 (MANE Select); coding-DNA position 500, A replaced by G.
Protein change: p.Tyr167Cys; replaces tyrosine 167 with cysteine.
Molecular consequence: missense variant.
Genome position (GRCh38, 1-based): chr12:57,750,945, T>C on the plus strand (A>G on the coding strand, the complement: CDK4 is on the minus strand). VCF-style: chr12-57750945-T-C. GRCh37 (hg19) VCF-style: chr12-58144728-T-C.
Other names: short protein forms Y167C.
Identifiers: ClinVar variation 2107205 (VCV002107205.6), dbSNP rs2140386343, ClinGen allele CA385546179.

ClinVar aggregate classification (germline): Uncertain significance. Review status: criteria provided, multiple submitters, no conflicts (2 of 4 stars). 2 submissions from 2 submitters: Uncertain significance (2). Last evaluated 2023-05-20.

Conditions:
Hereditary cancer-predisposing syndrome. Also called: Neoplastic Syndromes, Hereditary; Hereditary Cancer Syndrome; Hereditary neoplastic syndrome; Tumor predisposition. Identifiers: Orphanet 140162, MedGen C0027672, MeSH D009386, MONDO:0015356.
Familial melanoma. Also called: Hereditary melanoma; Hereditary cutaneous melanoma. Identifiers: Orphanet 618, MedGen C1512419, MONDO:0018961.

Allele frequency attached by ClinVar (database versions not stated): gnomAD exomes below 0.00001.

Submissions (2):

Ambry Genetics
Classification: Uncertain significance for Hereditary cancer-predisposing syndrome. Last evaluated: 2023-05-20. Review status: criteria provided, single submitter. Criteria: Ambry Variant Classification Scheme 2023. Collection method: clinical testing. Allele origin: germline.
Comment: The p.Y167C variant (also known as c.500A>G), located in coding exon 3 of the CDK4 gene, results from an A to G substitution at nucleotide position 500. The tyrosine at codon 167 is replaced by cysteine, an amino acid with highly dissimilar properties. This amino acid position is conserved. In addition, this alteration is predicted to be tolerated by in silico analysis. Since supporting evidence is limited at this time, the clinical significance of this alteration remains unclear.

Labcorp Genetics (formerly Invitae), Labcorp
Classification: Uncertain significance for Familial melanoma. Last evaluated: 2022-03-05. Review status: criteria provided, single submitter. Criteria: Invitae Variant Classification Sherloc (09022015). Collection method: clinical testing. Allele origin: germline.
Comment: This variant has not been reported in the literature in individuals affected with CDK4-related conditions. This sequence change replaces tyrosine, which is neutral and polar, with cysteine, which is neutral and slightly polar, at codon 167 of the CDK4 protein (p.Tyr167Cys). This variant is not present in population databases (gnomAD no frequency). Advanced modeling of protein sequence and biophysical properties (such as structural, functional, and spatial information, amino acid conservation, physicochemical variation, residue mobility, and thermodynamic stability) performed at Invitae indicates that this missense variant is not expected to disrupt CDK4 protein function. In summary, the available evidence is currently insufficient to determine the role of this variant in disease. Therefore, it has been classified as a Variant of Uncertain Significance.